The following is an entry in ClinVar:

ClinVar aggregate classification (germline): Pathogenic/Likely pathogenic. Review status: criteria provided, multiple submitters, no conflicts (2 of 4 stars). 5 submissions from 5 submitters: Pathogenic (2); Likely pathogenic (2). 1 of the submissions does not count toward it. Last evaluated 2023-11-10.

Conditions:
Retinal dystrophy. Also called: Inherited retinal dystrophy. Identifiers: Orphanet 71862, MedGen C0854723, MeSH D058499, MONDO:0019118, HP:0000556.
BEST1-related disorder. Also called: BEST1-related disorders; BEST1-related condition. Identifiers: MedGen CN239200.

Submissions (5):

GeneDx
Classification: Likely pathogenic. Last evaluated: 2023-11-10. Review status: criteria provided, single submitter. Criteria: GeneDx Variant Classification Process June 2021. Collection method: clinical testing. Allele origin: germline. Affected: yes.
Comment: Not observed at significant frequency in large population cohorts (gnomAD); In silico analysis supports that this missense variant has a deleterious effect on protein structure/function; This variant is associated with the following publications: (PMID: 23633665, 17477921, 17591911, 17460247, 10798642, 32278767)

Labcorp Genetics (formerly Invitae), Labcorp
Classification: Pathogenic. Last evaluated: 2023-03-22. Review status: criteria provided, single submitter. Criteria: Invitae Variant Classification Sherloc (09022015). Collection method: clinical testing. Allele origin: germline.
Comment: This sequence change replaces threonine, which is neutral and polar, with arginine, which is basic and polar, at codon 6 of the BEST1 protein (p.Thr6Arg). This variant is not present in population databases (gnomAD no frequency). This missense change has been observed in individuals with autosomal dominant Best vitelliform macular dystrophy (PMID: 17477921, 17591911; Invitae). ClinVar contains an entry for this variant (Variation ID: 99689). Advanced modeling of protein sequence and biophysical properties (such as structural, functional, and spatial information, amino acid conservation, physicochemical variation, residue mobility, and thermodynamic stability) performed at Invitae indicates that this missense variant is expected to disrupt BEST1 protein function. This variant disrupts the p.Thr6 amino acid residue in BEST1. Other variant(s) that disrupt this residue have been determined to be pathogenic (PMID: 16769844). This suggests that this residue is clinically significant, and that variants that disrupt this residue are likely to be disease-causing. For these reasons, this variant has been classified as Pathogenic.

Blueprint Genetics
Classification: Pathogenic for BEST1-related disorders. Last evaluated: 2022-08-25. Review status: criteria provided, single submitter. Criteria: ACMG Guidelines, 2015. Collection method: clinical testing. Allele origin: germline. Affected: yes. Observed: 5 variant alleles.

Institute of Human Genetics, Univ. Regensburg, Univ. Regensburg
Classification: Likely pathogenic for Retinal dystrophy. Last evaluated: 2015-01-01. Review status: criteria provided, single submitter. Criteria: ACMG Guidelines, 2015. Collection method: clinical testing. Allele origin: germline. Affected: yes.

Retina International
No classification provided. Review status: no classification provided. Collection method: not provided. Allele origin: not provided. Not counted in ClinVar's aggregate classification.

Literature cited by the submitters: PubMed 17477921 (cited by Labcorp Genetics (formerly Invitae), Labcorp); PubMed 17591911 (cited by Labcorp Genetics (formerly Invitae), Labcorp); PubMed 16769844 (cited by Labcorp Genetics (formerly Invitae), Labcorp); PubMed 10798642 (cited by Institute of Human Genetics, Univ. Regensburg, Univ. Regensburg).

NM_004183.4(BEST1):c.17C>G (p.Thr6Arg)

Gene: BEST1 (bestrophin 1; plus strand). Cytogenetic location: 11q12.3.
Variant type: single nucleotide variant.
Coding change: c.17C>G on transcript NM_004183.4 (MANE Select); coding-DNA position 17, C replaced by G.
Protein change: p.Thr6Arg; replaces threonine 6 with arginine.
Molecular consequence: missense variant. On other transcripts: non-coding transcript variant (1), intron variant (6).
Genome position (GRCh38, 1-based): chr11:61,951,823, C>G. VCF-style: chr11-61951823-C-G. GRCh37 (hg19) VCF-style: chr11-61719295-C-G.
Other names: c.17C>G, p.Thr6Arg (NM_001363592.2, NM_001440571.1, NM_001440572.1 and 1 more transcripts); c.-29+1396C>G (NM_001139443.3, NM_001300787.2, NM_001440574.1 and 3 more transcripts); short protein forms T6R.
Identifiers: ClinVar variation 99689 (VCV000099689.12), dbSNP rs281865204, ClinGen allele CA227739.
Genomic context (GRCh38, chr11:61,951,823, plus strand): 5'-TCTACCAGGACCCAAGCCCACCTGCTGCAGCCCACTGCCTGGCCATGACCATCACTTACA[C>G]AAGCCAAGTGGCTAATGCCCGCTTAGGCTCCTTCTCCCGCCTGCTGCTGTGCTGGCGGGG-3'
Protein context (NP_004174.1, residues 1-16): MTITY[Thr6Arg]SQVANARLGS